The following is an entry in ClinVar:

NM_004168.4(SDHA):c.1101G>C (p.Gln367His)

Gene: SDHA (succinate dehydrogenase complex flavoprotein subunit A; plus strand). Cytogenetic location: 5p15.33.
Variant type: single nucleotide variant.
Coding change: c.1101G>C on transcript NM_004168.4 (MANE Select); coding-DNA position 1101, G replaced by C.
Protein change: p.Gln367His; replaces glutamine 367 with histidine.
Molecular consequence: missense variant.
Genome position (GRCh38, 1-based): chr5:235,180, G>C. VCF-style: chr5-235180-G-C. GRCh37 (hg19) VCF-style: chr5-235295-G-C.
Other names: c.957G>C, p.Gln319His (NM_001294332.2); c.1101G>C, p.Gln367His (NM_001330758.2); short protein forms Q319H, Q367H.
Identifiers: ClinVar variation 2929556 (VCV002929556.3), dbSNP rs2477362604, ClinGen allele CA359013457.

ClinVar aggregate classification (germline): Uncertain significance (1 of 4 stars; one submission).

Conditions:
Mitochondrial complex II deficiency, nuclear type 1. Also called: SUCCINATE CoQ REDUCTASE DEFICIENCY. Identifiers: Orphanet 3208, MedGen C5700310, MONDO:0100294, OMIM 252011.
Pheochromocytoma/paraganglioma syndrome 5. Also called: Paragangliomas 5; SDHA-Related Hereditary Paraganglioma-Pheochromocytoma Syndrome. Identifiers: Orphanet 29072, MedGen C3279992, MONDO:0013602, OMIM 614165.

Submission:

Labcorp Genetics (formerly Invitae), Labcorp
Classification: Uncertain significance for Pheochromocytoma/paraganglioma syndrome 5; Mitochondrial complex II deficiency, nuclear type 1. Last evaluated: 2024-06-04. Review status: criteria provided, single submitter. Criteria: Invitae Variant Classification Sherloc (09022015). Collection method: clinical testing. Allele origin: germline.
Comment: This sequence change replaces glutamine, which is neutral and polar, with histidine, which is basic and polar, at codon 367 of the SDHA protein (p.Gln367His). This variant is not present in population databases (gnomAD no frequency). This variant has not been reported in the literature in individuals affected with SDHA-related conditions. Advanced modeling of protein sequence and biophysical properties (such as structural, functional, and spatial information, amino acid conservation, physicochemical variation, residue mobility, and thermodynamic stability) performed at Invitae indicates that this missense variant is not expected to disrupt SDHA protein function with a negative predictive value of 95%. In summary, the available evidence is currently insufficient to determine the role of this variant in disease. Therefore, it has been classified as a Variant of Uncertain Significance.